The following is an entry in ClinVar:

NM_004260.4(RECQL4):c.119-2A>G

Genes: RECQL4 (RecQ like helicase 4; minus strand), LOC130001411 (ATAC-STARR-seq lymphoblastoid silent region 19699; plus strand). Cytogenetic location: 8q24.3.
Variant type: single nucleotide variant.
Coding change: c.119-2A>G on transcript NM_004260.4 (MANE Select); the canonical splice acceptor site of the intron before coding-DNA position 119, A replaced by G.
Molecular consequence: splice acceptor variant. On other transcripts: intron variant (2).
Genome position (GRCh38, 1-based): chr8:144,517,510, T>C on the plus strand (A>G on the coding strand, the complement: RECQL4 is on the minus strand). VCF-style: chr8-144517510-T-C. GRCh37 (hg19) VCF-style: chr8-145742894-T-C.
Other names: c.84+191A>G (NM_001413025.1); c.119-2A>G (NM_001413029.1, NM_001413017.1, NM_001413020.1 and 5 more transcripts); c.-912-2A>G (NM_001413032.1); c.-850-2A>G (NM_001413035.1, NM_001413024.1); c.-1015-2A>G (NM_001413027.1, NM_001413031.1, NM_001413030.1 and 1 more transcripts); c.-859+92A>G (NM_001413040.1); c.-602-2A>G (NM_001413021.1); c.-678-2A>G (NM_001413028.1); and 3 more.
Identifiers: ClinVar variation 2717683 (VCV002717683.3), dbSNP rs1815370807, ClinGen allele CA372692818.

ClinVar aggregate classification (germline): Likely pathogenic (1 of 4 stars; one submission).

Conditions:
Baller-Gerold syndrome (BGS). Also called: CRANIOSYNOSTOSIS WITH RADIAL DEFECTS. Identifiers: Orphanet 1225, MedGen C0265308, MONDO:0009039, OMIM 218600.

Submission:

Labcorp Genetics (formerly Invitae), Labcorp
Classification: Likely pathogenic for Baller-Gerold syndrome. Last evaluated: 2023-09-14. Review status: criteria provided, single submitter. Criteria: Invitae Variant Classification Sherloc (09022015). Collection method: clinical testing. Allele origin: germline.
Comment: In summary, the currently available evidence indicates that the variant is pathogenic, but additional data are needed to prove that conclusively. Therefore, this variant has been classified as Likely Pathogenic. Algorithms developed to predict the effect of sequence changes on RNA splicing suggest that this variant may disrupt the consensus splice site. This variant has not been reported in the literature in individuals affected with RECQL4-related conditions. This variant is not present in population databases (gnomAD no frequency). This sequence change affects an acceptor splice site in intron 2 of the RECQL4 gene. It is expected to disrupt RNA splicing. Variants that disrupt the donor or acceptor splice site typically lead to a loss of protein function (PMID: 16199547), and loss-of-function variants in RECQL4 are known to be pathogenic (PMID: 12734318, 12952869).

Literature cited by the submitters: PubMed 16199547; PubMed 12734318; PubMed 12952869.